The following is an entry in ClinVar:

ClinVar aggregate classification (germline): no classifications from unflagged records (0 of 4 stars; one submission).

Conditions:
Immunodeficiency. Identifiers: MedGen C0021051, MONDO:0021094, HP:0002721.

Submission:

Labcorp Genetics (formerly Invitae), Labcorp
Classification: Uncertain significance for Immunodeficiency. Last evaluated: 2023-04-07. Review status: flagged submission. Criteria: Invitae Variant Classification Sherloc (09022015). Collection method: clinical testing. Allele origin: unknown.
Comment: In summary, the available evidence is currently insufficient to determine the role of this variant in disease. Therefore, it has been classified as a Variant of Uncertain Significance. Experimental studies and prediction algorithms are not available or were not evaluated, and the functional significance of this variant is currently unknown. Isolated whole-gene deletions of NFAT5 have not been reported in the literature. However, larger copy number events that include this gene have been reported (PMID: 25667416). A gross deletion of the genomic region encompassing the full coding sequence of the NFAT5 gene has been identified. The current clinical and genetic evidence is not sufficient to establish whether loss-of-function variants in NFAT5 cause disease. The boundaries of this event are unknown as they extend beyond the assayed region for this gene and therefore may encompass additional genes.
ClinVar note: Notes: This submission was flagged because its interpretation of this variant conflicts with the ClinGen Gene Dosage Map curation for the gene CDH1.
ClinVar note: Reason: Conflict with ClinGen Gene Dosage Map

Literature cited by the submitters: PubMed 25667416.

NC_000016.9:g.(?_68679283)_(72146396_?)del

Genes: AARS1 (alanyl-tRNA synthetase 1; minus strand), AP1G1 (adaptor related protein complex 1 subunit gamma 1; minus strand), ATXN1L (ataxin 1 like; plus strand), CALB2 (calbindin 2; plus strand), CDH1 (cadherin 1; plus strand) and 48 more. Cytogenetic location: 16q22.1-22.2.
Variant type: Deletion.
Identifiers: ClinVar variation 3243300 (VCV003243300.1).